The following is an entry in ClinVar:

NM_203446.3(SYNJ1):c.3391+6A>C

Gene: SYNJ1 (synaptojanin 1; minus strand). Cytogenetic location: 21q22.11.
Variant type: single nucleotide variant.
Coding change: c.3391+6A>C on transcript NM_203446.3 (MANE Select); 6 bases into the intron after coding-DNA position 3391, A replaced by C.
Molecular consequence: intron variant.
Genome position (GRCh38, 1-based): chr21:32,645,640, T>G on the plus strand (A>C on the coding strand, the complement: SYNJ1 is on the minus strand). VCF-style: chr21-32645640-T-G. GRCh37 (hg19) VCF-style: chr21-34017950-T-G.
Other names: c.3508+6A>C (NM_003895.4); c.3391+6A>C (NM_001160302.2); c.3376+6A>C (NM_001160306.2).
Identifiers: ClinVar variation 1000406 (VCV001000406.15), dbSNP rs745914222, ClinGen allele CA10003434.
Genomic context (GRCh38, chr21:32,645,640, plus strand): 5'-GCAAAACATTTTAAAATAGAGTGAAGAATTTTACATCTAGCAGAAATGGAAATAAAAGGT[T>G]GTCACCTGAAGGCGGAGGAGGTCTCTGTGGGGGAGCCGGGCGTGTGGGAGGGGCGACCGG-3'

ClinVar aggregate classification (germline): Conflicting classifications of pathogenicity. Review status: criteria provided, conflicting classifications (1 of 4 stars). 2 submissions from 2 submitters: Uncertain significance (1); Likely benign (1). Last evaluated 2024-04-29.

Conditions:
Early-onset Parkinson disease 20. Also called: PARKINSON DISEASE 20, AUTOSOMAL RECESSIVE EARLY-ONSET. Identifiers: Orphanet 391411, MedGen C3809824, MONDO:0014233, OMIM 615530.
Developmental and epileptic encephalopathy, 53. Also called: Epileptic encephalopathy, early infantile, 53. Identifiers: MedGen C4479313, MONDO:0033362, OMIM 617389.

Allele frequency attached by ClinVar (database versions not stated): gnomAD exomes 0.00001 and 0.00004; TOPMed 0.00002; ExAC 0.00029.
gnomAD v4.1: 12 of 1,527,122 alleles (0.00079%); highest among the groups gnomAD compares: East Asian, 0.024%; no homozygotes.

Submissions (2):

Labcorp Genetics (formerly Invitae), Labcorp
Classification: Uncertain significance for Developmental and epileptic encephalopathy, 53; Early-onset Parkinson disease 20. Last evaluated: 2024-04-29. Review status: criteria provided, single submitter. Criteria: Invitae Variant Classification Sherloc (09022015). Collection method: clinical testing. Allele origin: germline.
Comment: This sequence change falls in intron 25 of the SYNJ1 gene. It does not directly change the encoded amino acid sequence of the SYNJ1 protein. It affects a nucleotide within the consensus splice site. This variant is present in population databases (rs745914222, gnomAD 0.06%). This variant has not been reported in the literature in individuals affected with SYNJ1-related conditions. ClinVar contains an entry for this variant (Variation ID: 1000406). Variants that disrupt the consensus splice site are a relatively common cause of aberrant splicing (PMID: 17576681, 9536098). Algorithms developed to predict the effect of sequence changes on RNA splicing suggest that this variant is not likely to affect RNA splicing. In summary, the available evidence is currently insufficient to determine the role of this variant in disease. Therefore, it has been classified as a Variant of Uncertain Significance.

Blueprint Genetics
Classification: Likely benign. Last evaluated: 2022-09-21. Review status: criteria provided, single submitter. Criteria: ACMG Guidelines, 2015. Collection method: clinical testing. Allele origin: germline.

Literature cited by the submitters: PubMed 17576681 (cited by Labcorp Genetics (formerly Invitae), Labcorp); PubMed 9536098 (cited by Labcorp Genetics (formerly Invitae), Labcorp).